The following is an entry in ClinVar:

NM_001166114.2(PNPLA6):c.898C>A (p.Pro300Thr)

Gene: PNPLA6 (patatin like domain 6, lysophospholipase; plus strand). Cytogenetic location: 19p13.2.
Variant type: single nucleotide variant.
Coding change: c.898C>A on transcript NM_001166114.2 (MANE Select); coding-DNA position 898, C replaced by A.
Protein change: p.Pro300Thr; replaces proline 300 with threonine.
Molecular consequence: missense variant.
Genome position (GRCh38, 1-based): chr19:7,541,025, C>A. VCF-style: chr19-7541025-C-A. GRCh37 (hg19) VCF-style: chr19-7605911-C-A.
Other names: c.925C>A, p.Pro309Thr (NM_001166111.2); c.781C>A, p.Pro261Thr (NM_001166112.2, NM_001166113.1, NM_006702.5); short protein forms P261T, P300T, P309T.
Identifiers: ClinVar variation 854646 (VCV000854646.8), dbSNP rs1057518936, ClinGen allele CA403106855.
Genomic context (GRCh38, chr19:7,541,025, plus strand): 5'-CGGGACTCCACGGTGCTGCGCCTGCCGGTGGAAGCATTCTCCGCGGTCTTCACCAAGTAC[C>A]CGGAGAGCTTGGTGCGGGTCGTGCAGGTCAGTGGGCCTTCGCCTCCTGTCACCCCCTGAG-3'
Protein context (NP_001159586.1, residues 290-310): EAFSAVFTKY[Pro300Thr]ESLVRVVQII

ClinVar aggregate classification (germline): Pathogenic (1 of 4 stars; one submission).

Conditions:
Hereditary spastic paraplegia 39 (SPG39). Also called: Spastic Paraplegia Type 39 (SPG39); SPASTIC PARAPLEGIA 39, AUTOSOMAL RECESSIVE. Identifiers: Orphanet 139480, MedGen C2677586, MONDO:0012787, OMIM 612020.

Allele frequency attached by ClinVar (database versions not stated): gnomAD exomes below 0.00001.
gnomAD v4.1: 5 of 1,610,758 alleles (0.00031%); highest among the groups gnomAD compares: Non-Finnish European, 0.00042%; no homozygotes.

Submission:

Labcorp Genetics (formerly Invitae), Labcorp
Classification: Pathogenic for Hereditary spastic paraplegia 39. Last evaluated: 2023-03-10. Review status: criteria provided, single submitter. Criteria: Invitae Variant Classification Sherloc (09022015). Collection method: clinical testing. Allele origin: germline.
Comment: For these reasons, this variant has been classified as Pathogenic. Advanced modeling of protein sequence and biophysical properties (such as structural, functional, and spatial information, amino acid conservation, physicochemical variation, residue mobility, and thermodynamic stability) performed at Invitae indicates that this missense variant is expected to disrupt PNPLA6 protein function. ClinVar contains an entry for this variant (Variation ID: 854646). This missense change has been observed in individual(s) with clinical features of PNPLA6-related conditions (Invitae). In at least one individual the data is consistent with being in trans (on the opposite chromosome) from a pathogenic variant. It has also been observed to segregate with disease in related individuals. This variant is not present in population databases (gnomAD no frequency). This sequence change replaces proline, which is neutral and non-polar, with threonine, which is neutral and polar, at codon 261 of the PNPLA6 protein (p.Pro261Thr).